The following is an entry in ClinVar:

NM_018136.5(ASPM):c.1599T>A (p.Asn533Lys)

Gene: ASPM (assembly factor for spindle microtubules; minus strand). Cytogenetic location: 1q31.3.
Variant type: single nucleotide variant.
Coding change: c.1599T>A on transcript NM_018136.5 (MANE Select); coding-DNA position 1599, T replaced by A.
Protein change: p.Asn533Lys; replaces asparagine 533 with lysine.
Molecular consequence: missense variant.
Genome position (GRCh38, 1-based): chr1:197,142,653, A>T on the plus strand (T>A on the coding strand, the complement: ASPM is on the minus strand). VCF-style: chr1-197142653-A-T. GRCh37 (hg19) VCF-style: chr1-197111783-A-T.
Other names: c.1599T>A, p.Asn533Lys (NM_001206846.2); short protein forms N533K.
Identifiers: ClinVar variation 2102379 (VCV002102379.4), dbSNP rs745662568, ClinGen allele CA1310686.

ClinVar aggregate classification (germline): Uncertain significance (1 of 4 stars; one submission).

Allele frequency attached by ClinVar (database versions not stated): gnomAD exomes below 0.00001; ExAC 0.00001.

Submission:

Labcorp Genetics (formerly Invitae), Labcorp
Classification: Uncertain significance. Last evaluated: 2022-07-29. Review status: criteria provided, single submitter. Criteria: Invitae Variant Classification Sherloc (09022015). Collection method: clinical testing. Allele origin: germline.
Comment: This sequence change replaces asparagine, which is neutral and polar, with lysine, which is basic and polar, at codon 533 of the ASPM protein (p.Asn533Lys). In summary, the available evidence is currently insufficient to determine the role of this variant in disease. Therefore, it has been classified as a Variant of Uncertain Significance. Algorithms developed to predict the effect of missense changes on protein structure and function (SIFT, PolyPhen-2, Align-GVGD) all suggest that this variant is likely to be tolerated. This variant has not been reported in the literature in individuals affected with ASPM-related conditions. This variant is present in population databases (rs745662568, gnomAD 0.003%).